The following is an entry in ClinVar:

ClinVar aggregate classification (germline): Uncertain significance (1 of 4 stars; one submission).

Conditions:
Neuropathy, hereditary motor and sensory, type 6B (HMSN6B). Also called: HMSN VIB; CHARCOT-MARIE-TOOTH DISEASE, TYPE 6B; Neuropathy, hereditary motor and sensory, type VIB; NEUROPATHY, HEREDITARY MOTOR AND SENSORY, TYPE VIB, WITH OPTIC ATROPHY. Identifiers: MedGen C4225302, MONDO:0014671, OMIM 616505.

Submission:

Labcorp Genetics (formerly Invitae), Labcorp
Classification: Uncertain significance for Neuropathy, hereditary motor and sensory, type 6B. Last evaluated: 2025-04-10. Review status: criteria provided, single submitter. Criteria: Invitae Variant Classification Sherloc (09022015). Collection method: clinical testing. Allele origin: germline.
Comment: This sequence change replaces phenylalanine, which is neutral and non-polar, with tyrosine, which is neutral and polar, at codon 183 of the SLC25A46 protein (p.Phe183Tyr). This variant is not present in population databases (gnomAD no frequency). This variant has not been reported in the literature in individuals affected with SLC25A46-related conditions. Invitae Evidence Modeling of protein sequence and biophysical properties (such as structural, functional, and spatial information, amino acid conservation, physicochemical variation, residue mobility, and thermodynamic stability) indicates that this missense variant is not expected to disrupt SLC25A46 protein function with a negative predictive value of 80%. In summary, the available evidence is currently insufficient to determine the role of this variant in disease. Therefore, it has been classified as a Variant of Uncertain Significance.

NM_138773.4(SLC25A46):c.548T>A (p.Phe183Tyr)

Gene: SLC25A46 (solute carrier family 25 member 46; plus strand). Cytogenetic location: 5q22.1.
Variant type: single nucleotide variant.
Coding change: c.548T>A on transcript NM_138773.4 (MANE Select); coding-DNA position 548, T replaced by A.
Protein change: p.Phe183Tyr; replaces phenylalanine 183 with tyrosine.
Molecular consequence: missense variant. On other transcripts: non-coding transcript variant (1).
Genome position (GRCh38, 1-based): chr5:110,748,248, T>A. VCF-style: chr5-110748248-T-A. GRCh37 (hg19) VCF-style: chr5-110083949-T-A.
Other names: c.548T>A, p.Phe183Tyr (NM_001303249.3); c.275T>A, p.Phe92Tyr (NM_001303250.3); short protein forms F183Y, F92Y.
Identifiers: ClinVar variation 4798098 (VCV004798098.1).
Genomic context (GRCh38, chr5:110,748,248, plus strand): 5'-TGGGAAGTACATTTATTGTCCAGGGAGTCACACTTGGAGCAGAAGGCATAATTAGTGAAT[T>A]TACACCTTTGCCAAGGTACCATTTTTAGCATTTCTTCAGTATTAGTTTCATGTGGTGATG-3'
Protein context (NP_620128.1, residues 173-193): TLGAEGIISE[Phe183Tyr]TPLPREVLHK